The following is an entry in ClinVar:

ClinVar aggregate classification (germline): Uncertain significance (1 of 4 stars; one submission).

Conditions:
HCN2-related disorder. Also called: HCN2-related condition.

gnomAD v4.1: 1 of 1,613,718 alleles (0.000062%); highest among the groups gnomAD compares: African/African-American, 0.0013%; no homozygotes.

Submission:

PreventionGenetics, part of Exact Sciences
Classification: Uncertain significance for HCN2-related condition. Last evaluated: 2023-02-28. Review status: criteria provided, single submitter. Criteria: ACMG Guidelines, 2015. Collection method: clinical testing. Allele origin: germline.
Comment: The HCN2 c.1543G>T variant is predicted to result in premature protein termination (p.Glu515*). To our knowledge, this variant has not been reported in the literature. This variant is reported in 0.0062% of alleles in individuals of African descent in gnomAD. At this time, the clinical significance of this variant is uncertain due to the absence of conclusive functional and genetic evidence.

NM_001194.4(HCN2):c.1543G>T (p.Glu515Ter)

Gene: HCN2 (hyperpolarization activated cyclic nucleotide gated potassium and sodium channel 2; plus strand). Cytogenetic location: 19p13.3.
Variant type: single nucleotide variant.
Coding change: c.1543G>T on transcript NM_001194.4 (MANE Select); coding-DNA position 1543, G replaced by T.
Protein change: p.Glu515Ter; replaces glutamic acid 515 with a stop codon.
Molecular consequence: nonsense.
Genome position (GRCh38, 1-based): chr19:610,364, G>T. VCF-style: chr19-610364-G-T. GRCh37 (hg19) VCF-style: chr19-610364-G-T.
Other names: short protein forms E515*.
Identifiers: ClinVar variation 2630524 (VCV002630524.1), dbSNP rs746420784, ClinGen allele CA402879460.